The following is an entry in ClinVar:

NM_002234.4(KCNA5):c.941C>G (p.Pro314Arg)

Gene: KCNA5 (potassium voltage-gated channel subfamily A member 5; plus strand). Cytogenetic location: 12p13.32.
Variant type: single nucleotide variant.
Coding change: c.941C>G on transcript NM_002234.4 (MANE Select); coding-DNA position 941, C replaced by G.
Protein change: p.Pro314Arg; replaces proline 314 with arginine.
Molecular consequence: missense variant.
Genome position (GRCh38, 1-based): chr12:5,045,088, C>G. VCF-style: chr12-5045088-C-G. GRCh37 (hg19) VCF-style: chr12-5154254-C-G.
Other names: short protein forms P314R.
Identifiers: ClinVar variation 1902563 (VCV001902563.5), dbSNP rs1049368535, ClinGen allele CA383465454.

ClinVar aggregate classification (germline): Uncertain significance (1 of 4 stars; one submission).

Conditions:
Atrial fibrillation, familial, 7 (ATFB7). Identifiers: MedGen C2677106, MONDO:0012828, OMIM 612240.

Allele frequency attached by ClinVar (database versions not stated): TOPMed 0.00002.

Submission:

Labcorp Genetics (formerly Invitae), Labcorp
Classification: Uncertain significance for Atrial fibrillation, familial, 7. Last evaluated: 2023-04-06. Review status: criteria provided, single submitter. Criteria: Invitae Variant Classification Sherloc (09022015). Collection method: clinical testing. Allele origin: germline.
Comment: This sequence change replaces proline, which is neutral and non-polar, with arginine, which is basic and polar, at codon 314 of the KCNA5 protein (p.Pro314Arg). This variant is present in population databases (no rsID available, gnomAD 0.004%). This variant has not been reported in the literature in individuals affected with KCNA5-related conditions. ClinVar contains an entry for this variant (Variation ID: 1902563). An algorithm developed to predict the effect of missense changes on protein structure and function (PolyPhen-2) suggests that this variant is likely to be disruptive. In summary, the available evidence is currently insufficient to determine the role of this variant in disease. Therefore, it has been classified as a Variant of Uncertain Significance.